The following is an entry in ClinVar:

NM_001110556.2(FLNA):c.2338G>C (p.Ala780Pro)

Gene: FLNA (filamin A; minus strand). Cytogenetic location: Xq28.
Variant type: single nucleotide variant.
Coding change: c.2338G>C on transcript NM_001110556.2 (MANE Select); coding-DNA position 2338, G replaced by C.
Protein change: p.Ala780Pro; replaces alanine 780 with proline.
Molecular consequence: missense variant.
Genome position (GRCh38, 1-based): chrX:154,362,727, C>G on the plus strand (G>C on the coding strand, the complement: FLNA is on the minus strand). VCF-style: chrX-154362727-C-G. GRCh37 (hg19) VCF-style: chrX-153591095-C-G.
Other names: c.2338G>C, p.Ala780Pro (NM_001456.4); short protein forms A780P.
Identifiers: ClinVar variation 3754007 (VCV003754007.2).

ClinVar aggregate classification (germline): Uncertain significance (1 of 4 stars; one submission).

Conditions:
Melnick-Needles syndrome (MNS). Also called: MELNICK-NEEDLES OSTEODYSPLASTY; OSTEODYSPLASTY OF MELNICK AND NEEDLES; Melnick-Needles Syndrome (FLNA-MNS). Identifiers: Orphanet 2484, MedGen C0025237, MONDO:0010650, OMIM 309350.
Frontometaphyseal dysplasia (FMD1). Identifiers: Orphanet 1826, MedGen C0265293, MONDO:0015942.
Heterotopia, periventricular, X-linked dominant (PVNH1). Also called: PERIVENTRICULAR NODULAR HETEROTOPIA 1; X-linked periventricular heterotopia; PERIVENTRICULAR NODULAR HETEROTOPIA 4; HETEROTOPIA, PERIVENTRICULAR, 1. Identifiers: Orphanet 2149, Orphanet 82004, MedGen C1848213, MONDO:0010233, OMIM 300049.
Oto-palato-digital syndrome, type II (OPD2). Also called: FACIOPALATOOSSEOUS SYNDROME; OPD II SYNDROME; Otopalatodigital Syndrome, Type II; Otopalatodigital Syndrome Type 2 (FLNA-OPD2). Identifiers: Orphanet 669, Orphanet 90652, MedGen C1844696, MONDO:0010571, OMIM 304120.

Submission:

Labcorp Genetics (formerly Invitae), Labcorp
Classification: Uncertain significance for Oto-palato-digital syndrome, type II; Heterotopia, periventricular, X-linked dominant; Frontometaphyseal dysplasia; Melnick-Needles syndrome. Last evaluated: 2024-07-13. Review status: criteria provided, single submitter. Criteria: Invitae Variant Classification Sherloc (09022015). Collection method: clinical testing. Allele origin: germline.
Comment: This sequence change replaces alanine, which is neutral and non-polar, with proline, which is neutral and non-polar, at codon 780 of the FLNA protein (p.Ala780Pro). This variant is not present in population databases (gnomAD no frequency). This variant has not been reported in the literature in individuals affected with FLNA-related conditions. Advanced modeling of protein sequence and biophysical properties (such as structural, functional, and spatial information, amino acid conservation, physicochemical variation, residue mobility, and thermodynamic stability) performed at Invitae indicates that this missense variant is not expected to disrupt FLNA protein function with a negative predictive value of 95%. In summary, the available evidence is currently insufficient to determine the role of this variant in disease. Therefore, it has been classified as a Variant of Uncertain Significance.